The following is an entry in ClinVar:

NM_000051.4(ATM):c.4430dup (p.Asn1477fs)

Gene: ATM (ATM serine/threonine kinase; plus strand). Cytogenetic location: 11q22.3.
Variant type: Duplication.
Coding change: c.4430dup on transcript NM_000051.4 (MANE Select); coding-DNA position 4430, one base duplicated (A; older notation c.4430dupA).
Protein change: p.Asn1477fs; shifts the reading frame from asparagine 1477.
Molecular consequence: frameshift variant.
Genome position (GRCh38, 1-based): chr11:108,289,795, A duplicated; the last of 2 consecutive A bases (chr11:108,289,794-108,289,795); duplicating either gives the same sequence. VCF-style (leftmost placement, unchanged base first): chr11-108289793-C-CA. GRCh37 (hg19) VCF-style: chr11-108160520-C-CA.
Other names: c.4430dup, p.Asn1477fs (NM_001351834.2); short protein forms N1477fs.
Identifiers: ClinVar variation 2854128 (VCV002854128.4), dbSNP rs2546910879, ClinGen allele CA2739266039.
Genomic context (GRCh38, chr11:108,289,793, plus strand): 5'-CTTAGGAGGAGCTTGGGCCTTTGTTCTTCGAGACGTTATTTATACTTTGATTCACTATAT[C>CA]AACCAAAGGTAAATAACATATTTAGACCAATATATAAGCAGTCTTTCTATCCTGTTCTTC-3'

ClinVar aggregate classification (germline): Pathogenic. Review status: criteria provided, multiple submitters, no conflicts (2 of 4 stars). 2 submissions from 2 submitters: Pathogenic (2). Last evaluated 2024-09-27.

Conditions:
Familial cancer of breast. Also called: Hereditary breast cancer; hereditary breast carcinoma; BREAST CANCER, FAMILIAL. Identifiers: Orphanet 227535, MedGen C0346153, MONDO:0016419, OMIM 114480. Disease mechanism: loss of function.
Ataxia-telangiectasia syndrome (AT). Also called: LOUIS-BAR SYNDROME; Cerebello-oculocutaneous telangiectasia; Immunodeficiency with ataxia telangiectasia; Ataxia telangiectasia (A-T); ATAXIA-TELANGIECTASIA, COMPLEMENTATION GROUP A; ATAXIA-TELANGIECTASIA, FRESNO VARIANT. Identifiers: Orphanet 100, MedGen C0004135, MONDO:0008840, OMIM 208900.

Submissions (2):

Myriad Genetics, Inc.
Classification: Pathogenic for Familial cancer of breast. Last evaluated: 2024-09-27. Review status: criteria provided, single submitter. Criteria: Myriad Autosomal Dominant, Autosomal Recessive and X-Linked Classification Criteria (2023). Collection method: clinical testing. Allele origin: unknown.
Comment: This variant is considered pathogenic. This variant creates a frameshift predicted to result in premature protein truncation.

Labcorp Genetics (formerly Invitae), Labcorp
Classification: Pathogenic for Ataxia-telangiectasia syndrome. Last evaluated: 2023-04-09. Review status: criteria provided, single submitter. Criteria: Invitae Variant Classification Sherloc (09022015). Collection method: clinical testing. Allele origin: germline.
Comment: For these reasons, this variant has been classified as Pathogenic. This variant has not been reported in the literature in individuals affected with ATM-related conditions. This variant is not present in population databases (gnomAD no frequency). This sequence change creates a premature translational stop signal (p.Asn1477Lysfs*14) in the ATM gene. It is expected to result in an absent or disrupted protein product. Loss-of-function variants in ATM are known to be pathogenic (PMID: 23807571, 25614872).

Literature cited by the submitters: PubMed 23807571 (cited by Labcorp Genetics (formerly Invitae), Labcorp); PubMed 25614872 (cited by Labcorp Genetics (formerly Invitae), Labcorp).